The following is an entry in ClinVar:

ClinVar aggregate classification (germline): Pathogenic (1 of 4 stars; one submission).

Conditions:
Immunodeficiency 67. Also called: Immunodeficiency due to interleukin-1 receptor-associated kinase-4 deficiency. Identifiers: Orphanet 70592, MedGen C1843256, MONDO:0011888, OMIM 607676.

Allele frequency attached by ClinVar (database versions not stated): gnomAD exomes below 0.00001; ExAC 0.00002.
gnomAD v4.1: 1 of 1,587,802 alleles (0.000063%); highest among the groups gnomAD compares: East Asian, 0.0022%; no homozygotes.

Submission:

Labcorp Genetics (formerly Invitae), Labcorp
Classification: Pathogenic for Immunodeficiency 67. Last evaluated: 2022-07-20. Review status: criteria provided, single submitter. Criteria: Invitae Variant Classification Sherloc (09022015). Collection method: clinical testing. Allele origin: germline.
Comment: This sequence change creates a premature translational stop signal (p.Glu402*) in the IRAK4 gene. It is expected to result in an absent or disrupted protein product. Loss-of-function variants in IRAK4 are known to be pathogenic (PMID: 17893200, 21057262). This variant is present in population databases (rs766102187, gnomAD 0.01%). This premature translational stop signal has been observed in individual(s) with clinical features of IRAK-4 deficiency (PMID: 25344726). For these reasons, this variant has been classified as Pathogenic.

Literature cited by the submitters: PubMed 17893200; PubMed 21057262; PubMed 25344726.

NM_016123.4(IRAK4):c.1204G>T (p.Glu402Ter)

Gene: IRAK4 (interleukin 1 receptor associated kinase 4; plus strand). Cytogenetic location: 12q12.
Variant type: single nucleotide variant.
Coding change: c.1204G>T on transcript NM_016123.4 (MANE Select); coding-DNA position 1204, G replaced by T.
Protein change: p.Glu402Ter; replaces glutamic acid 402 with a stop codon.
Molecular consequence: nonsense.
Genome position (GRCh38, 1-based): chr12:43,786,414, G>T. VCF-style: chr12-43786414-G-T. GRCh37 (hg19) VCF-style: chr12-44180217-G-T.
Other names: c.1204G>T, p.Glu402Ter (NM_001114182.3, NM_001351345.2); c.832G>T, p.Glu278Ter (NM_001145256.2, NM_001145257.2, NM_001145258.2 and 5 more transcripts); c.595G>T, p.Glu199Ter (NM_001351343.2, NM_001351344.2); short protein forms E199*, E278*, E402*.
Identifiers: ClinVar variation 2137318 (VCV002137318.4), dbSNP rs766102187, ClinGen allele CA6522617.